The following is an entry in ClinVar:

NM_005157.6(ABL1):c.2357T>C (p.Leu786Pro)

Gene: ABL1 (ABL proto-oncogene 1, non-receptor tyrosine kinase; plus strand). Cytogenetic location: 9q34.12.
Variant type: single nucleotide variant.
Coding change: c.2357T>C on transcript NM_005157.6 (MANE Select); coding-DNA position 2357, T replaced by C.
Protein change: p.Leu786Pro; replaces leucine 786 with proline.
Molecular consequence: missense variant.
Genome position (GRCh38, 1-based): chr9:130,884,647, T>C. VCF-style: chr9-130884647-T-C. GRCh37 (hg19) VCF-style: chr9-133760034-T-C.
Other names: c.2414T>C, p.Leu805Pro (NM_007313.3); short protein forms L786P, L805P.
Identifiers: ClinVar variation 3622925 (VCV003622925.2).

ClinVar aggregate classification (germline): Uncertain significance (1 of 4 stars; one submission).

Submission:

Labcorp Genetics (formerly Invitae), Labcorp
Classification: Uncertain significance. Last evaluated: 2024-08-09. Review status: criteria provided, single submitter. Criteria: Invitae Variant Classification Sherloc (09022015). Collection method: clinical testing. Allele origin: germline.
Comment: This sequence change replaces leucine, which is neutral and non-polar, with proline, which is neutral and non-polar, at codon 805 of the ABL1 protein (p.Leu805Pro). This variant is not present in population databases (gnomAD no frequency). This variant has not been reported in the literature in individuals affected with ABL1-related conditions. Advanced modeling of protein sequence and biophysical properties (such as structural, functional, and spatial information, amino acid conservation, physicochemical variation, residue mobility, and thermodynamic stability) performed at Invitae indicates that this missense variant is not expected to disrupt ABL1 protein function with a negative predictive value of 95%. In summary, the available evidence is currently insufficient to determine the role of this variant in disease. Therefore, it has been classified as a Variant of Uncertain Significance.